The following is an entry in ClinVar:

NM_004990.4(MARS1):c.1994T>C (p.Phe665Ser)

Gene: MARS1 (methionyl-tRNA synthetase 1; plus strand). Cytogenetic location: 12q13.3.
Variant type: single nucleotide variant.
Coding change: c.1994T>C on transcript NM_004990.4 (MANE Select); coding-DNA position 1994, T replaced by C.
Protein change: p.Phe665Ser; replaces phenylalanine 665 with serine.
Molecular consequence: missense variant.
Genome position (GRCh38, 1-based): chr12:57,514,746, T>C. VCF-style: chr12-57514746-T-C. GRCh37 (hg19) VCF-style: chr12-57908529-T-C.
Other names: short protein forms F665S.
Identifiers: ClinVar variation 4791702 (VCV004791702.1).
Genomic context (GRCh38, chr12:57,514,746, plus strand): 5'-TTTTTCCACTTCTGCTTTCCTACTCCCAACCAAGAGCTGGGATGTTTGTGTCTAAGTTCT[T>C]TGGGGGCTATGTGCCTGAGATGGTGCTCACCCCTGATGATCAGCGCCTGCTGGCCCATGT-3'
Protein context (NP_004981.2, residues 655-675): NRAGMFVSKF[Phe665Ser]GGYVPEMVLT

ClinVar aggregate classification (germline): Uncertain significance (1 of 4 stars; one submission).

Conditions:
Severe early-onset pulmonary alveolar proteinosis due to MARS deficiency. Also called: PULMONARY ALVEOLAR PROTEINOSIS, REUNION ISLAND; Interstitial lung and liver disease. Identifiers: Orphanet 440427, MedGen C4225400, MONDO:0014206, OMIM 615486.
Charcot-Marie-Tooth disease axonal type 2U. Also called: CHARCOT-MARIE-TOOTH NEUROPATHY, TYPE 2U; CHARCOT-MARIE-TOOTH DISEASE, AXONAL, AUTOSOMAL DOMINANT, TYPE 2U. Identifiers: Orphanet 397735, MedGen C4084821, MONDO:0014566, OMIM 616280.

Submission:

Labcorp Genetics (formerly Invitae), Labcorp
Classification: Uncertain significance for Charcot-Marie-Tooth disease axonal type 2U; Severe early-onset pulmonary alveolar proteinosis due to MARS deficiency. Last evaluated: 2025-09-21. Review status: criteria provided, single submitter. Criteria: Invitae Variant Classification Sherloc (09022015). Collection method: clinical testing. Allele origin: germline.
Comment: This sequence change replaces phenylalanine, which is neutral and non-polar, with serine, which is neutral and polar, at codon 665 of the MARS protein (p.Phe665Ser). This variant is not present in population databases (gnomAD no frequency). This variant has not been reported in the literature in individuals affected with MARS-related conditions. An algorithm developed to predict the effect of missense changes on protein structure and function (PolyPhen-2) suggests that this variant is likely to be disruptive. In summary, the available evidence is currently insufficient to determine the role of this variant in disease. Therefore, it has been classified as a Variant of Uncertain Significance.